The following is an entry in ClinVar:

NM_001042492.3(NF1):c.1568C>A (p.Ala523Glu)

Gene: NF1 (neurofibromin 1; plus strand). Cytogenetic location: 17q11.2.
Variant type: single nucleotide variant.
Coding change: c.1568C>A on transcript NM_001042492.3 (MANE Select); coding-DNA position 1568, C replaced by A.
Protein change: p.Ala523Glu; replaces alanine 523 with glutamic acid.
Molecular consequence: missense variant.
Genome position (GRCh38, 1-based): chr17:31,219,045, C>A. VCF-style: chr17-31219045-C-A. GRCh37 (hg19) VCF-style: chr17-29546063-C-A.
Other names: c.1568C>A, p.Ala523Glu (NM_000267.4, NM_001128147.3); short protein forms A523E.
Identifiers: ClinVar variation 1382709 (VCV001382709.6), dbSNP rs2143986218, ClinGen allele CA399001898.
Genomic context (GRCh38, chr17:31,219,045, plus strand): 5'-TTTCCTTTTTTTCCTTGCAGAATCCAAGAAAACAGGGGCCCGAAACCCAAGGCAGTACAG[C>A]AGAATTAATTACAGGGCTCGTCCAACTGGTCCCTCAGTCACACATGCCAGAGATTGCTCA-3'
Protein context (NP_001035957.1, residues 513-533): KQGPETQGST[Ala523Glu]ELITGLVQLV

ClinVar aggregate classification (germline): Uncertain significance (1 of 4 stars; one submission).

Conditions:
Neurofibromatosis, type 1 (NF1). Also called: VON RECKLINGHAUSEN DISEASE; Peripheral type neurofibromatosis; Neurofibromatosis, type I; NEUROFIBROMATOSIS, TYPE I, SOMATIC. Identifiers: Orphanet 636, MedGen C0027831, MONDO:0018975, OMIM 162200. Disease mechanism: loss of function.

Submission:

Labcorp Genetics (formerly Invitae), Labcorp
Classification: Uncertain significance for Neurofibromatosis, type 1. Last evaluated: 2021-09-23. Review status: criteria provided, single submitter. Criteria: Invitae Variant Classification Sherloc (09022015). Collection method: clinical testing. Allele origin: germline.
Comment: In summary, the available evidence is currently insufficient to determine the role of this variant in disease. Therefore, it has been classified as a Variant of Uncertain Significance. Algorithms developed to predict the effect of missense changes on protein structure and function are either unavailable or do not agree on the potential impact of this missense change (SIFT: "Deleterious"; PolyPhen-2: "Probably Damaging"; Align-GVGD: "Class C0"). This variant has not been reported in the literature in individuals affected with NF1-related conditions. This variant is not present in population databases (ExAC no frequency). This sequence change replaces alanine with glutamic acid at codon 523 of the NF1 protein (p.Ala523Glu). The alanine residue is moderately conserved and there is a moderate physicochemical difference between alanine and glutamic acid.